The following is an entry in ClinVar:

NM_017739.4(POMGNT1):c.791G>A (p.Arg264His)

Genes: POMGNT1 (protein O-linked mannose N-acetylglucosaminyltransferase 1 (beta 1,2-); minus strand), TSPAN1 (tetraspanin 1; plus strand). Cytogenetic location: 1p34.1.
Variant type: single nucleotide variant.
Coding change: c.791G>A on transcript NM_017739.4 (MANE Select); coding-DNA position 791, G replaced by A.
Protein change: p.Arg264His; replaces arginine 264 with histidine.
Molecular consequence: missense variant.
Genome position (GRCh38, 1-based): chr1:46,194,362, C>T on the plus strand (G>A on the coding strand, the complement: POMGNT1 is on the minus strand). VCF-style: chr1-46194362-C-T. GRCh37 (hg19) VCF-style: chr1-46660034-C-T.
Other names: c.791G>A, p.Arg264His (NM_001243766.2, NM_001410783.1); c.725G>A, p.Arg242His (NM_001290129.3); c.362G>A, p.Arg121His (NM_001290130.2); short protein forms R242H, R121H, R264H.
Identifiers: ClinVar variation 1513125 (VCV001513125.9), dbSNP rs748559972, ClinGen allele CA833603.

ClinVar aggregate classification (germline): Uncertain significance. Review status: criteria provided, multiple submitters, no conflicts (2 of 4 stars). 4 submissions from 4 submitters: Uncertain significance (4). Last evaluated 2026-04-08.

Conditions:
Autosomal recessive limb-girdle muscular dystrophy type 2O. Also called: Limb-Girdle Muscular Dystrophy Type 3C; MUSCULAR DYSTROPHY-DYSTROGLYCANOPATHY (LIMB-GIRDLE), TYPE C, 3; MUSCULAR DYSTROPHY-DYSTROGLYCANOPATHY, LIMB-GIRDLE, POMGNT1-RELATED. Identifiers: Orphanet 206564, MedGen C3150417, MONDO:0013161, OMIM 613157.
Muscular dystrophy-dystroglycanopathy (congenital with impaired intellectual development), type B, 3. Also called: Muscular dystrophy-dystroglycanopathy (congenital with intellectual disability), type B3; MUSCULAR DYSTROPHY, CONGENITAL, POMGNT1-RELATED. Identifiers: MedGen C3150412, MONDO:0013155, OMIM 613151.
Myopathy caused by variation in POMGNT1. Identifiers: MedGen CN305639, MONDO:0700068.

Allele frequency attached by ClinVar (database versions not stated): ExAC 0.00002; gnomAD 0.00001; TOPMed 0.00001; gnomAD exomes 0.00002.
gnomAD v4.1: 19 of 1,614,076 alleles (0.0012%); highest among the groups gnomAD compares: Middle Eastern, 0.016%; no homozygotes.

Submissions (4):

Myriad Genetics, Inc.
Classification: Uncertain significance for Myopathy caused by variation in POMGNT1. Last evaluated: 2026-04-08. Review status: criteria provided, single submitter. Criteria: Myriad Autosomal Dominant, Autosomal Recessive and X-Linked Classification Criteria (2023). Collection method: clinical testing. Allele origin: unknown.
Comment: NM_017739.3(POMGNT1):c.791G>A(R264H) is a missense variant classified as a variant of uncertain significance in the context of POMGNT1-related disorders. R264H has not been observed in cases with relevant disease. Relevant functional assessments of this variant are not available in the literature. R264H has been observed in referenced population frequency databases. In summary, there is insufficient evidence to classify NM_017739.3(POMGNT1):c.791G>A(R264H) as pathogenic or benign. Please note: this variant was assessed in the context of healthy population screening.

Blueprint Genetics
Classification: Uncertain significance. Last evaluated: 2024-06-28. Review status: criteria provided, single submitter. Criteria: ACMG Guidelines, 2015. Collection method: clinical testing. Allele origin: germline.

Labcorp Genetics (formerly Invitae), Labcorp
Classification: Uncertain significance for Autosomal recessive limb-girdle muscular dystrophy type 2O; Muscular dystrophy-dystroglycanopathy (congenital with impaired intellectual development), type B, 3. Last evaluated: 2022-08-09. Review status: criteria provided, single submitter. Criteria: Invitae Variant Classification Sherloc (09022015). Collection method: clinical testing. Allele origin: germline.
Comment: This sequence change replaces arginine, which is basic and polar, with histidine, which is basic and polar, at codon 264 of the POMGNT1 protein (p.Arg264His). This variant is present in population databases (rs748559972, gnomAD 0.006%). This variant has not been reported in the literature in individuals affected with POMGNT1-related conditions. ClinVar contains an entry for this variant (Variation ID: 1513125). Advanced modeling of protein sequence and biophysical properties (such as structural, functional, and spatial information, amino acid conservation, physicochemical variation, residue mobility, and thermodynamic stability) performed at Invitae indicates that this missense variant is not expected to disrupt POMGNT1 protein function. In summary, the available evidence is currently insufficient to determine the role of this variant in disease. Therefore, it has been classified as a Variant of Uncertain Significance.

Revvity Omics, Revvity
Classification: Uncertain significance. Last evaluated: 2019-03-17. Review status: criteria provided, single submitter. Criteria: ACMG Guidelines, 2015. Collection method: clinical testing. Allele origin: germline.